The following is an entry in ClinVar:

ClinVar aggregate classification (germline): Uncertain significance (1 of 4 stars; one submission).

Allele frequency attached by ClinVar (database versions not stated): gnomAD exomes below 0.00001; ExAC 0.00001.

Submission:

Ambry Genetics
Classification: Uncertain significance. Last evaluated: 2023-05-14. Review status: criteria provided, single submitter. Criteria: Ambry Variant Classification Scheme 2023. Collection method: clinical testing. Allele origin: germline.
Comment: The p.V537L variant (also known as c.1609G>T), located in coding exon 3 of the ALPK2 gene, results from a G to T substitution at nucleotide position 1609. The valine at codon 537 is replaced by leucine, an amino acid with highly similar properties. This amino acid position is conserved. In addition, this alteration is predicted to be tolerated by in silico analysis. Since supporting evidence is limited at this time, the clinical significance of this alteration remains unclear.

NM_052947.4(ALPK2):c.1609G>T (p.Val537Leu)

Gene: ALPK2 (alpha kinase 2; minus strand). Cytogenetic location: 18q21.31.
Variant type: single nucleotide variant.
Coding change: c.1609G>T on transcript NM_052947.4 (MANE Select); coding-DNA position 1609, G replaced by T.
Protein change: p.Val537Leu; replaces valine 537 with leucine.
Molecular consequence: missense variant.
Genome position (GRCh38, 1-based): chr18:58,579,167, C>A on the plus strand (G>T on the coding strand, the complement: ALPK2 is on the minus strand). VCF-style: chr18-58579167-C-A. GRCh37 (hg19) VCF-style: chr18-56246399-C-A.
Other names: short protein forms V537L.
Identifiers: ClinVar variation 2561817 (VCV002561817.2), dbSNP rs773335337, ClinGen allele CA8977214.